The following is an entry in ClinVar:

NM_030665.4(RAI1):c.2120C>G (p.Ser707Cys)

Gene: RAI1 (retinoic acid induced 1; plus strand). Cytogenetic location: 17p11.2.
Variant type: single nucleotide variant.
Coding change: c.2120C>G on transcript NM_030665.4 (MANE Select); coding-DNA position 2120, C replaced by G.
Protein change: p.Ser707Cys; replaces serine 707 with cysteine.
Molecular consequence: missense variant.
Genome position (GRCh38, 1-based): chr17:17,795,068, C>G. VCF-style: chr17-17795068-C-G. GRCh37 (hg19) VCF-style: chr17-17698382-C-G.
Other names: short protein forms S707C.
Identifiers: ClinVar variation 1315439 (VCV001315439.4), dbSNP rs767038093, ClinGen allele CA8418464.

ClinVar aggregate classification (germline): Conflicting classifications of pathogenicity. Review status: criteria provided, conflicting classifications (1 of 4 stars). 3 submissions from 3 submitters: Uncertain significance (2); Likely benign (1). Last evaluated 2024-07-22.

Conditions:
Vascular disorder. Identifiers: MedGen C0042373, MONDO:0005385.

Allele frequency attached by ClinVar (database versions not stated): ExAC 0.00002; gnomAD exomes 0.00001.
gnomAD v4.1: 7 of 1,614,168 alleles (0.00043%); highest among the groups gnomAD compares: East Asian, 0.016%; no homozygotes.

Submissions (3):

Women's Health and Genetics/Laboratory Corporation of America, LabCorp
Classification: Uncertain significance. Last evaluated: 2024-07-22. Review status: criteria provided, single submitter. Criteria: LabCorp Variant Classification Summary - May 2015. Collection method: clinical testing. Allele origin: germline.
Comment: Variant summary: RAI1 c.2120C>G (p.Ser707Cys) results in a non-conservative amino acid change in the encoded protein sequence. Three of five in-silico tools predict a damaging effect of the variant on protein function. The variant allele was found at a frequency of 8e-06 in 251458 control chromosomes. The available data on variant occurrences in the general population are insufficient to allow any conclusion about variant significance. To our knowledge, no occurrence of c.2120C>G in individuals affected with Smith-Magenis Syndrome and no experimental evidence demonstrating its impact on protein function have been reported. ClinVar contains an entry for this variant (Variation ID: 1315439). Based on the evidence outlined above, the variant was classified as uncertain significance.

GeneDx
Classification: Uncertain significance. Last evaluated: 2020-02-18. Review status: criteria provided, single submitter. Criteria: GeneDx Variant Classification Process June 2021. Collection method: clinical testing. Allele origin: germline. Affected: yes.
Comment: In silico analysis supports that this missense variant does not alter protein structure/function; Has not been previously published as pathogenic or benign to our knowledge

Cambridge Genomics Laboratory, East Genomic Laboratory Hub, NHS Genomic Medicine Service
Classification: Likely benign for Vascular disorder. Last evaluated: 2019-08-08. Review status: criteria provided, single submitter. Criteria: ACGS Best Practice Guidelines for Variant Classification in Rare Disease 2020. Collection method: clinical testing. Allele origin: germline. Affected: yes. Observed: 1 variant allele.